The following is an entry in ClinVar:

ClinVar aggregate classification (germline): Likely pathogenic (1 of 4 stars; one submission).

Conditions:
Hypertrophic cardiomyopathy. Also called: HYPERTROPHIC MYOCARDIOPATHY. Identifiers: Orphanet 217569, MedGen C0007194, MeSH D002312, MONDO:0005045, HP:0001639.

Submission:

Labcorp Genetics (formerly Invitae), Labcorp
Classification: Likely pathogenic for Hypertrophic cardiomyopathy. Last evaluated: 2022-02-04. Review status: criteria provided, single submitter. Criteria: Invitae Variant Classification Sherloc (09022015). Collection method: clinical testing. Allele origin: germline.
Comment: In summary, the currently available evidence indicates that the variant is pathogenic, but additional data are needed to prove that conclusively. Therefore, this variant has been classified as Likely Pathogenic. This variant disrupts a region of the MYBPC3 protein in which other variant(s) (p.Pro102Leu) have been observed in individuals with MYBPC3-related conditions (PMID: 23233322). This suggests that this is a clinically significant region of the protein, and that variants that disrupt it are likely to be disease-causing. This variant has not been reported in the literature in individuals affected with MYBPC3-related conditions. This variant is not present in population databases (gnomAD no frequency). This variant results in the deletion of part of exon 3 (c.293-174_307del) of the MYBPC3 gene. It is expected to disrupt RNA splicing. Variants that disrupt the donor or acceptor splice site typically lead to a loss of protein function (PMID: 16199547), and loss-of-function variants in MYBPC3 are known to be pathogenic (PMID: 19574547).

Literature cited by the submitters: PubMed 23233322; PubMed 16199547; PubMed 19574547.

NM_000256.3(MYBPC3):c.293-174_307del

Gene: MYBPC3 (myosin binding protein C3; minus strand). Cytogenetic location: 11p11.2.
Variant type: Deletion.
Coding change: c.293-174_307del on transcript NM_000256.3 (MANE Select); 174 bases into the intron before coding-DNA position 293 through coding-DNA position 307, 189 bases deleted.
Molecular consequence: splice acceptor variant.
Genome position (GRCh38, 1-based): chr11:47,350,601-47,350,789, 189 bases deleted. GRCh37 (hg19): chr11:47,372,154-47,372,342.
Identifiers: ClinVar variation 2092661 (VCV002092661.4), dbSNP rs2495783909, ClinGen allele CA2580084267.